The following is an entry in ClinVar:

NM_003172.4(SURF1):c.657G>C (p.Glu219Asp)

Gene: SURF1 (SURF1 cytochrome c oxidase assembly factor; minus strand). Cytogenetic location: 9q34.2.
Variant type: single nucleotide variant.
Coding change: c.657G>C on transcript NM_003172.4 (MANE Select); coding-DNA position 657, G replaced by C.
Protein change: p.Glu219Asp; replaces glutamic acid 219 with aspartic acid.
Molecular consequence: missense variant.
Genome position (GRCh38, 1-based): chr9:133,352,540, C>G on the plus strand (G>C on the coding strand, the complement: SURF1 is on the minus strand). VCF-style: chr9-133352540-C-G. GRCh37 (hg19) VCF-style: chr9-136219395-C-G.
Other names: c.330G>C, p.Glu110Asp (NM_001280787.1); short protein forms E110D, E219D.
Identifiers: ClinVar variation 2415004 (VCV002415004.3), dbSNP rs149494670, ClinGen allele CA375693801.

ClinVar aggregate classification (germline): Uncertain significance (1 of 4 stars; one submission).

Conditions:
Leigh syndrome (NULS). Also called: Leigh's syndrome; Subacute necrotizing encephalopathy; Necrotizing encephalopathy infantile subacute of Leigh; LEIGH SYNDROME, NUCLEAR; Leigh's necrotizing encephalopathy; Leigh's disease. Identifiers: Orphanet 506, MedGen C2931891, MONDO:0009723, OMIM 256000.

gnomAD v4.1: 1 of 1,614,212 alleles (0.000062%); highest among the groups gnomAD compares: Non-Finnish European, 0.000085%; no homozygotes.

Submission:

Labcorp Genetics (formerly Invitae), Labcorp
Classification: Uncertain significance for Leigh syndrome. Last evaluated: 2022-06-22. Review status: criteria provided, single submitter. Criteria: Invitae Variant Classification Sherloc (09022015). Collection method: clinical testing. Allele origin: germline.
Comment: This sequence change replaces glutamic acid, which is acidic and polar, with aspartic acid, which is acidic and polar, at codon 219 of the SURF1 protein (p.Glu219Asp). This variant is not present in population databases (gnomAD no frequency). This variant has not been reported in the literature in individuals affected with SURF1-related conditions. Algorithms developed to predict the effect of missense changes on protein structure and function (SIFT, PolyPhen-2, Align-GVGD) all suggest that this variant is likely to be tolerated. In summary, the available evidence is currently insufficient to determine the role of this variant in disease. Therefore, it has been classified as a Variant of Uncertain Significance.